The following is an entry in ClinVar:

ClinVar aggregate classification (germline): Likely benign. Review status: criteria provided, multiple submitters, no conflicts (2 of 4 stars). 2 submissions from 2 submitters: Likely benign (2). Last evaluated 2024-11-25.

Allele frequency attached by ClinVar (database versions not stated): gnomAD 0.00001 and 0.00002; TOPMed 0.00001; gnomAD exomes 0.00007; ExAC 0.00008.
gnomAD v4.1: 39 of 1,611,832 alleles (0.0024%); highest among the groups gnomAD compares: Middle Eastern, 0.12%; no homozygotes.

Submissions (2):

Mayo Clinic Laboratories, Mayo Clinic
Classification: Likely benign. Last evaluated: 2024-11-25. Review status: criteria provided, single submitter. Criteria: ACMG Guidelines, 2015. Collection method: clinical testing. Allele origin: germline. Observed: 1 variant allele.
Comment: BP4, BP7

Labcorp Genetics (formerly Invitae), Labcorp
Classification: Likely benign. Last evaluated: 2024-09-06. Review status: criteria provided, single submitter. Criteria: Invitae Variant Classification Sherloc (09022015). Collection method: clinical testing. Allele origin: germline.

NM_017999.5(RNF31):c.1218C>T (p.Ala406=)

Gene: RNF31 (ring finger protein 31; plus strand). Cytogenetic location: 14q12.
Variant type: single nucleotide variant.
Coding change: c.1218C>T on transcript NM_017999.5 (MANE Select); coding-DNA position 1218, C replaced by T.
Protein change: p.Ala406=; no amino-acid change (alanine 406 retained).
Molecular consequence: synonymous variant.
Genome position (GRCh38, 1-based): chr14:24,150,618, C>T. VCF-style: chr14-24150618-C-T. GRCh37 (hg19) VCF-style: chr14-24619827-C-T.
Other names: p.Ala406=; c.765C>T, p.Ala255= (NM_001310332.2).
Identifiers: ClinVar variation 1584307 (VCV001584307.10), dbSNP rs749447279, ClinGen allele CA7125728.